The following is an entry in ClinVar:

ClinVar aggregate classification (germline): Uncertain significance. Review status: criteria provided, multiple submitters, no conflicts (2 of 4 stars). 2 submissions from 2 submitters: Uncertain significance (2). Last evaluated 2024-04-12.

Conditions:
Inborn genetic diseases. Identifiers: MedGen C0950123, MeSH D030342.
Mosaic variegated aneuploidy syndrome 1 (MVA1). Also called: Warburton-Anyane-Yeboa syndrome. Identifiers: Orphanet 1052, MedGen C1850343, MONDO:0009759, OMIM 257300.

Allele frequency attached by ClinVar (database versions not stated): gnomAD exomes below 0.00001; TOPMed below 0.00001.
gnomAD v4.1: 1 of 1,612,846 alleles (0.000062%); highest among the groups gnomAD compares: Non-Finnish European, 0.000085%; no homozygotes.

Submissions (2):

Ambry Genetics
Classification: Uncertain significance for Inborn genetic diseases. Last evaluated: 2024-04-12. Review status: criteria provided, single submitter. Criteria: Ambry Variant Classification Scheme 2023. Collection method: clinical testing. Allele origin: germline.
Comment: The p.C504W variant (also known as c.1512T>G), located in coding exon 11 of the BUB1B gene, results from a T to G substitution at nucleotide position 1512. The cysteine at codon 504 is replaced by tryptophan, an amino acid with highly dissimilar properties. This amino acid position is conserved. In addition, this alteration is predicted to be tolerated by in silico analysis. Based on the available evidence, the clinical significance of this variant remains unclear.

Labcorp Genetics (formerly Invitae), Labcorp
Classification: Uncertain significance for Mosaic variegated aneuploidy syndrome 1. Last evaluated: 2023-02-09. Review status: criteria provided, single submitter. Criteria: Invitae Variant Classification Sherloc (09022015). Collection method: clinical testing. Allele origin: germline.
Comment: This variant is not present in population databases (gnomAD no frequency). In summary, the available evidence is currently insufficient to determine the role of this variant in disease. Therefore, it has been classified as a Variant of Uncertain Significance. Algorithms developed to predict the effect of missense changes on protein structure and function (SIFT, PolyPhen-2, Align-GVGD) all suggest that this variant is likely to be tolerated. This variant has not been reported in the literature in individuals affected with BUB1B-related conditions. This sequence change replaces cysteine, which is neutral and slightly polar, with tryptophan, which is neutral and slightly polar, at codon 504 of the BUB1B protein (p.Cys504Trp).

NM_001211.6(BUB1B):c.1512T>G (p.Cys504Trp)

Gene: BUB1B (BUB1 mitotic checkpoint serine/threonine kinase B; plus strand). Cytogenetic location: 15q15.1.
Variant type: single nucleotide variant.
Coding change: c.1512T>G on transcript NM_001211.6 (MANE Select); coding-DNA position 1512, T replaced by G.
Protein change: p.Cys504Trp; replaces cysteine 504 with tryptophan.
Molecular consequence: missense variant.
Genome position (GRCh38, 1-based): chr15:40,200,354, T>G. VCF-style: chr15-40200354-T-G. GRCh37 (hg19) VCF-style: chr15-40492555-T-G.
Other names: short protein forms C504W.
Identifiers: ClinVar variation 2891057 (VCV002891057.4), dbSNP rs2037551011, ClinGen allele CA391690431.